The following is an entry in ClinVar:

NC_000022.11:g.(?_50625125)_(50627799_?)del

Gene: ARSA (arylsulfatase A; minus strand). Cytogenetic location: 22q13.33.
Variant type: Deletion.
Identifiers: ClinVar variation 526831 (VCV000526831.2).

ClinVar aggregate classification (germline): Pathogenic (1 of 4 stars; one submission).

Conditions:
Metachromatic leukodystrophy (MLD). Also called: SULFATIDE LIPIDOSIS; ARSA DEFICIENCY; CEREBROSIDE SULFATASE DEFICIENCY; METACHROMATIC LEUKOENCEPHALOPATHY; Cerebral sclerosis diffuse metachromatic form; Arylsulfatase A Deficiency. Identifiers: Orphanet 512, MedGen C0023522, MONDO:0018868, OMIM 250100.

Submission:

Labcorp Genetics (formerly Invitae), Labcorp
Classification: Pathogenic for Metachromatic leukodystrophy. Last evaluated: 2019-12-24. Review status: criteria provided, single submitter. Criteria: Invitae Variant Classification Sherloc (09022015). Collection method: clinical testing. Allele origin: germline.
Comment: A gross deletion of the genomic region encompassing the full coding sequence of the ARSA gene has been identified. The boundaries of this event are unknown as the deletion extends beyond the assayed region for this gene and therefore may encompass additional genes. A similar deletion has been reported in individuals affected with metachromatic leukodystrophy (PMID: 15211666). Loss-of-function variants in ARSA are known to be pathogenic (PMID: 8962139, 10477432). For these reasons, this variant has been classified as Pathogenic.

Literature cited by the submitters: PubMed 15211666.